The following is an entry in ClinVar:

NM_001089.3(ABCA3):c.3686C>T (p.Thr1229Ile)

Gene: ABCA3 (ATP binding cassette subfamily A member 3; minus strand). Cytogenetic location: 16p13.3.
Variant type: single nucleotide variant.
Coding change: c.3686C>T on transcript NM_001089.3 (MANE Select); coding-DNA position 3686, C replaced by T.
Protein change: p.Thr1229Ile; replaces threonine 1229 with isoleucine.
Molecular consequence: missense variant.
Genome position (GRCh38, 1-based): chr16:2,284,796, G>A on the plus strand (C>T on the coding strand, the complement: ABCA3 is on the minus strand). VCF-style: chr16-2284796-G-A. GRCh37 (hg19) VCF-style: chr16-2334797-G-A.
Other names: short protein forms T1229I.
Identifiers: ClinVar variation 3646489 (VCV003646489.2).

ClinVar aggregate classification (germline): Uncertain significance (1 of 4 stars; one submission).

gnomAD v4.1: 3 of 1,613,804 alleles (0.00019%); highest among the groups gnomAD compares: South Asian, 0.0022%; no homozygotes.

Submission:

Labcorp Genetics (formerly Invitae), Labcorp
Classification: Uncertain significance. Last evaluated: 2024-03-17. Review status: criteria provided, single submitter. Criteria: Invitae Variant Classification Sherloc (09022015). Collection method: clinical testing. Allele origin: germline.
Comment: This sequence change replaces threonine, which is neutral and polar, with isoleucine, which is neutral and non-polar, at codon 1229 of the ABCA3 protein (p.Thr1229Ile). This variant is present in population databases (no rsID available, gnomAD 0.006%). This variant has not been reported in the literature in individuals affected with ABCA3-related conditions. Advanced modeling of protein sequence and biophysical properties (such as structural, functional, and spatial information, amino acid conservation, physicochemical variation, residue mobility, and thermodynamic stability) performed at Invitae indicates that this missense variant is not expected to disrupt ABCA3 protein function with a negative predictive value of 80%. In summary, the available evidence is currently insufficient to determine the role of this variant in disease. Therefore, it has been classified as a Variant of Uncertain Significance.